The following is an entry in ClinVar:

NM_001363711.2(DUOX2):c.2654+1G>A

Gene: DUOX2 (dual oxidase 2; minus strand). Cytogenetic location: 15q21.1.
Variant type: single nucleotide variant.
Coding change: c.2654+1G>A on transcript NM_001363711.2 (MANE Select); the canonical splice donor site of the intron after coding-DNA position 2654, G replaced by A.
Molecular consequence: splice donor variant.
Genome position (GRCh38, 1-based): chr15:45,103,959, C>T on the plus strand (G>A on the coding strand, the complement: DUOX2 is on the minus strand). VCF-style: chr15-45103959-C-T. GRCh37 (hg19) VCF-style: chr15-45396157-C-T.
Other names: c.2654+1G>A (NM_014080.5).
Identifiers: ClinVar variation 2888526 (VCV002888526.4), dbSNP rs139890337, ClinGen allele CA7538195.

ClinVar aggregate classification (germline): Likely pathogenic (1 of 4 stars; one submission).

Allele frequency attached by ClinVar (database versions not stated): ExAC 0.00001; ESP Exome Variant Server 0.00015.

Submission:

Labcorp Genetics (formerly Invitae), Labcorp
Classification: Likely pathogenic. Last evaluated: 2024-05-14. Review status: criteria provided, single submitter. Criteria: Invitae Variant Classification Sherloc (09022015). Collection method: clinical testing. Allele origin: germline.
Comment: This sequence change affects a donor splice site in intron 20 of the DUOX2 gene. It is expected to disrupt RNA splicing. Variants that disrupt the donor or acceptor splice site typically lead to a loss of protein function (PMID: 16199547), and loss-of-function variants in DUOX2 are known to be pathogenic (PMID: 12110737, 18765513, 21565790, 24423310, 24735383). This variant is present in population databases (rs139890337, gnomAD 0.0009%). This variant has not been reported in the literature in individuals affected with DUOX2-related conditions. Algorithms developed to predict the effect of sequence changes on RNA splicing suggest that this variant may disrupt the consensus splice site. In summary, the currently available evidence indicates that the variant is pathogenic, but additional data are needed to prove that conclusively. Therefore, this variant has been classified as Likely Pathogenic.

Literature cited by the submitters: PubMed 16199547; PubMed 12110737; PubMed 18765513; PubMed 21565790; PubMed 24423310; PubMed 24735383.